The following is an entry in ClinVar:

ClinVar aggregate classification (germline): Uncertain significance (1 of 4 stars; one submission).

Conditions:
Inborn genetic diseases. Identifiers: MedGen C0950123, MeSH D030342.

gnomAD v4.1: 1 of 1,613,420 alleles (0.000062%); highest among the groups gnomAD compares: African/African-American, 0.0013%; no homozygotes.

Submission:

Ambry Genetics
Classification: Uncertain significance for Inborn genetic diseases. Last evaluated: 2024-09-15. Review status: criteria provided, single submitter. Criteria: Ambry Variant Classification Scheme 2023. Collection method: clinical testing. Allele origin: germline.
Comment: The p.G826R variant (also known as c.2476G>C), located in coding exon 11 of the ATR gene, results from a G to C substitution at nucleotide position 2476. The glycine at codon 826 is replaced by arginine, an amino acid with dissimilar properties. This amino acid position is conserved. In addition, this alteration is predicted to be tolerated by in silico analysis. Based on the available evidence, the clinical significance of this variant remains unclear.

NM_001184.4(ATR):c.2476G>C (p.Gly826Arg)

Gene: ATR (ATR serine/threonine kinase; minus strand). Cytogenetic location: 3q23.
Variant type: single nucleotide variant.
Coding change: c.2476G>C on transcript NM_001184.4 (MANE Select); coding-DNA position 2476, G replaced by C.
Protein change: p.Gly826Arg; replaces glycine 826 with arginine.
Molecular consequence: missense variant.
Genome position (GRCh38, 1-based): chr3:142,553,881, C>G on the plus strand (G>C on the coding strand, the complement: ATR is on the minus strand). VCF-style: chr3-142553881-C-G. GRCh37 (hg19) VCF-style: chr3-142272723-C-G.
Other names: c.2284G>C, p.Gly762Arg (NM_001354579.2); short protein forms G762R, G826R.
Identifiers: ClinVar variation 3460849 (VCV003460849.1).